The following is an entry in ClinVar:

ClinVar aggregate classification (germline): Uncertain significance. Review status: criteria provided, multiple submitters, no conflicts (2 of 4 stars). 3 submissions from 3 submitters: Uncertain significance (3). Last evaluated 2024-08-21.

Conditions:
Isolated focal cortical dysplasia type II (FCORD2). Also called: Focal cortical dysplasia type II; CORTICAL DYSPLASIA OF TAYLOR. Identifiers: Orphanet 268994, MedGen C1846385, MONDO:0011818, OMIM 607341, HP:0032051.
Hereditary cancer-predisposing syndrome. Also called: Hereditary neoplastic syndrome; Tumor predisposition; Neoplastic Syndromes, Hereditary; Hereditary Cancer Syndrome. Identifiers: Orphanet 140162, MedGen C0027672, MeSH D009386, MONDO:0015356.
Tuberous sclerosis 2 (TSC2). Identifiers: Orphanet 805, MedGen C1860707, MONDO:0013199, OMIM 613254.

Submissions (3):

Ambry Genetics
Classification: Uncertain significance for Hereditary cancer-predisposing syndrome. Last evaluated: 2024-08-21. Review status: criteria provided, single submitter. Criteria: Ambry Variant Classification Scheme 2023. Collection method: clinical testing. Allele origin: germline.
Comment: The p.L1534V variant (also known as c.4600C>G), located in coding exon 35 of the TSC2 gene, results from a C to G substitution at nucleotide position 4600. The leucine at codon 1534 is replaced by valine, an amino acid with highly similar properties. This amino acid position is highly conserved in available vertebrate species. In addition, this alteration is predicted to be deleterious by in silico analysis. Based on the available evidence, the clinical significance of this variant remains unclear.

Baylor Genetics
Classification: Uncertain significance for Isolated focal cortical dysplasia type II. Last evaluated: 2024-01-18. Review status: criteria provided, single submitter. Criteria: ACMG Guidelines, 2015. Collection method: clinical testing. Allele origin: unknown.

Labcorp Genetics (formerly Invitae), Labcorp
Classification: Uncertain significance for Tuberous sclerosis 2. Last evaluated: 2022-02-04. Review status: criteria provided, single submitter. Criteria: Invitae Variant Classification Sherloc (09022015). Collection method: clinical testing. Allele origin: germline.
Comment: This sequence change replaces leucine, which is neutral and non-polar, with valine, which is neutral and non-polar, at codon 1534 of the TSC2 protein (p.Leu1534Val). This variant is not present in population databases (gnomAD no frequency). This variant has not been reported in the literature in individuals affected with TSC2-related conditions. ClinVar contains an entry for this variant (Variation ID: 963446). Algorithms developed to predict the effect of missense changes on protein structure and function are either unavailable or do not agree on the potential impact of this missense change (SIFT: "Deleterious"; PolyPhen-2: "Probably Damaging"; Align-GVGD: "Class C0"). In summary, the available evidence is currently insufficient to determine the role of this variant in disease. Therefore, it has been classified as a Variant of Uncertain Significance.

NM_000548.5(TSC2):c.4600C>G (p.Leu1534Val)

Gene: TSC2 (TSC complex subunit 2; plus strand). Cytogenetic location: 16p13.3.
Variant type: single nucleotide variant.
Coding change: c.4600C>G on transcript NM_000548.5 (MANE Select); coding-DNA position 4600, C replaced by G.
Protein change: p.Leu1534Val; replaces leucine 1534 with valine.
Molecular consequence: missense variant.
Genome position (GRCh38, 1-based): chr16:2,085,260, C>G. VCF-style: chr16-2085260-C-G. GRCh37 (hg19) VCF-style: chr16-2135261-C-G.
Other names: c.4399C>G, p.Leu1467Val (NM_001077183.3); c.4531C>G, p.Leu1511Val (NM_001114382.3); c.4291C>G, p.Leu1431Val (NM_001318827.2); c.4255C>G, p.Leu1419Val (NM_001318829.2); c.3868C>G, p.Leu1290Val (NM_001318831.2); c.4432C>G, p.Leu1478Val (NM_001318832.2); c.4402C>G, p.Leu1468Val (NM_001363528.2); c.4468C>G, p.Leu1490Val (NM_001370404.1); and 1 more; short protein forms L1290V, L1478V, L1534V, L1419V, L1468V, L1431V, L1490V, L1511V.
Identifiers: ClinVar variation 963446 (VCV000963446.11), dbSNP rs375520841, ClinGen allele CA394304603.